The following is an entry in ClinVar:

NM_016284.5(CNOT1):c.4307G>A (p.Arg1436Gln)

Gene: CNOT1 (CCR4-NOT transcription complex subunit 1; minus strand). Cytogenetic location: 16q21.
Variant type: single nucleotide variant.
Coding change: c.4307G>A on transcript NM_016284.5 (MANE Select); coding-DNA position 4307, G replaced by A.
Protein change: p.Arg1436Gln; replaces arginine 1436 with glutamine.
Molecular consequence: missense variant. On other transcripts: non-coding transcript variant (1).
Genome position (GRCh38, 1-based): chr16:58,543,734, C>T on the plus strand (G>A on the coding strand, the complement: CNOT1 is on the minus strand). VCF-style: chr16-58543734-C-T. GRCh37 (hg19) VCF-style: chr16-58577638-C-T.
Other names: c.4292G>A, p.Arg1431Gln (NM_001265612.2); c.4307G>A, p.Arg1436Gln (NM_206999.3); short protein forms R1431Q, R1436Q.
Identifiers: ClinVar variation 3899442 (VCV003899442.2).

ClinVar aggregate classification (germline): Uncertain significance (1 of 4 stars; one submission).

Submission:

GeneDx
Classification: Uncertain significance. Last evaluated: 2026-03-24. Review status: criteria provided, single submitter. Criteria: GeneDx Variant Classification Process June 2021. Collection method: clinical testing. Allele origin: germline.
Comment: Not observed at significant frequency in large population cohorts (gnomAD); In silico analysis supports that this missense variant has a deleterious effect on protein structure/function; Has not been previously published as pathogenic or benign to our knowledge